The following is an entry in ClinVar:

ClinVar aggregate classification (germline): Likely benign. Review status: criteria provided, multiple submitters, no conflicts (2 of 4 stars). 3 submissions from 3 submitters: Likely benign (3). Last evaluated 2026-04-01.

Allele frequency attached by ClinVar (database versions not stated): ExAC 0.00004; gnomAD 0.00004; gnomAD exomes 0.00004; TOPMed 0.00008; ESP Exome Variant Server 0.00023.
gnomAD v4.1: 22 of 1,559,354 alleles (0.0014%); highest among the groups gnomAD compares: African/African-American, 0.011%; no homozygotes.

Submissions (3):

CeGaT Center for Human Genetics Tuebingen
Classification: Likely benign. Last evaluated: 2026-04-01. Review status: criteria provided, single submitter. Criteria: CeGaT Center For Human Genetics Tuebingen Variant Classification Criteria Version 2. Collection method: clinical testing. Allele origin: germline. Affected: yes. Observed: 1 variant allele.
Comment: CACNA1D: BP4, BP7

Labcorp Genetics (formerly Invitae), Labcorp
Classification: Likely benign. Last evaluated: 2025-09-08. Review status: criteria provided, single submitter. Criteria: Invitae Variant Classification Sherloc (09022015). Collection method: clinical testing. Allele origin: germline.

Blueprint Genetics
Classification: Likely benign. Last evaluated: 2022-02-10. Review status: criteria provided, single submitter. Criteria: ACMG Guidelines, 2015. Collection method: clinical testing. Allele origin: germline.

NM_000720.4(CACNA1D):c.1503G>A (p.Ala501=)

Gene: CACNA1D (calcium voltage-gated channel subunit alpha1 D; plus strand). Cytogenetic location: 3p21.1.
Variant type: single nucleotide variant.
Coding change: c.1503G>A on transcript NM_000720.4 (MANE Plus Clinical); coding-DNA position 1503, G replaced by A.
Protein change: p.Ala501=; no amino-acid change (alanine 501 retained).
Molecular consequence: synonymous variant. On other transcripts: intron variant (2).
Genome position (GRCh38, 1-based): chr3:53,718,706, G>A. VCF-style: chr3-53718706-G-A. GRCh37 (hg19) VCF-style: chr3-53752733-G-A.
Other names: c.1478+318G>A (NM_001128840.3, NM_001128839.3).
Identifiers: ClinVar variation 1616566 (VCV001616566.12), dbSNP rs376945234, ClinGen allele CA2453975.